The following is an entry in ClinVar:

ClinVar aggregate classification (germline): Likely pathogenic (1 of 4 stars; one submission).

Submission:

GeneDx
Classification: Likely pathogenic. Last evaluated: 2020-06-18. Review status: criteria provided, single submitter. Criteria: GeneDx Variant Classification Process June 2021. Collection method: clinical testing. Allele origin: germline. Affected: yes.
Comment: Has not been previously published as pathogenic or benign to our knowledge; Different missense changes at this residue (N985S and N985I) have been reported in association with seizures (Cetica et al., 2017; Fujiwara et al., 2003); Missense variants in this gene are often considered pathogenic (Stenson et al., 2014); In silico analysis supports that this missense variant has a deleterious effect on protein structure/function; Not observed in large population cohorts (Lek et al., 2016)

NM_001165963.4(SCN1A):c.2955T>G (p.Asn985Lys)

Gene: SCN1A (sodium voltage-gated channel alpha subunit 1; minus strand). Cytogenetic location: 2q24.3.
Variant type: single nucleotide variant.
Coding change: c.2955T>G on transcript NM_001165963.4 (MANE Select); coding-DNA position 2955, T replaced by G.
Protein change: p.Asn985Lys; replaces asparagine 985 with lysine.
Molecular consequence: missense variant. On other transcripts: non-coding transcript variant (1).
Genome position (GRCh38, 1-based): chr2:166,036,522, A>C on the plus strand (T>G on the coding strand, the complement: SCN1A is on the minus strand). VCF-style: chr2-166036522-A-C. GRCh37 (hg19) VCF-style: chr2-166893032-A-C.
Other names: c.2871T>G, p.Asn957Lys (NM_001165964.3, NM_001353957.2, NM_001353958.2); c.2955T>G, p.Asn985Lys (NM_001202435.3, NM_001353948.2); c.2922T>G, p.Asn974Lys (NM_001353949.2, NM_006920.6, NM_001353950.2 and 2 more transcripts); c.513T>G, p.Asn171Lys (NM_001353961.2); c.2919T>G, p.Asn973Lys (NM_001353954.2, NM_001353955.2); c.2868T>G, p.Asn956Lys (NM_001353960.2); short protein forms N171K, N956K, N957K, N973K, N974K, N985K.
Identifiers: ClinVar variation 1206698 (VCV001206698.3), dbSNP rs2105797652, ClinGen allele CA349060635.
Genomic context (GRCh38, chr2:166,036,522, plus strand): 5'-ATCATCAGTGGCTGCAAGGTTGTCTGCACTAAATGAGCTCAGAAGCAAGGCCAGAAAGAG[A>C]TTCAGGACCTTAAAAACAACAAAAACATGATTATAATTTTACACCAATGTAGGGAAGAGC-3'
Protein context (NP_001159435.1, residues 975-995): VMVIGNLVVL[Asn985Lys]LFLALLLSSF